The following is an entry in ClinVar:

ClinVar aggregate classification (germline): Uncertain significance. Review status: criteria provided, multiple submitters, no conflicts (2 of 4 stars). 2 submissions from 2 submitters: Uncertain significance (2). Last evaluated 2024-06-14.

gnomAD v4.1: 6 of 1,614,158 alleles (0.00037%); highest among the groups gnomAD compares: Non-Finnish European, 0.00051%; no homozygotes.

Submissions (2):

GeneDx
Classification: Uncertain significance. Last evaluated: 2024-06-14. Review status: criteria provided, single submitter. Criteria: GeneDx Variant Classification Process June 2021. Collection method: clinical testing. Allele origin: germline. Affected: yes.
Comment: Not observed at significant frequency in large population cohorts (gnomAD); In silico analysis supports a deleterious effect on splicing; Has not been previously published as pathogenic or benign to our knowledge

Mayo Clinic Laboratories, Mayo Clinic
Classification: Uncertain significance. Last evaluated: 2023-06-14. Review status: criteria provided, single submitter. Criteria: ACMG Guidelines, 2015. Collection method: clinical testing. Allele origin: germline. Observed: 1 variant allele.
Comment: PM2_moderate

NM_025137.4(SPG11):c.4806G>A (p.Val1602=)

Gene: SPG11 (SPG11 vesicle trafficking associated, spatacsin; minus strand). Cytogenetic location: 15q21.1.
Variant type: single nucleotide variant.
Coding change: c.4806G>A on transcript NM_025137.4 (MANE Select); coding-DNA position 4806, G replaced by A.
Protein change: p.Val1602=; no amino-acid change (valine 1602 retained).
Molecular consequence: synonymous variant.
Genome position (GRCh38, 1-based): chr15:44,589,352, C>T on the plus strand (G>A on the coding strand, the complement: SPG11 is on the minus strand). VCF-style: chr15-44589352-C-T. GRCh37 (hg19) VCF-style: chr15-44881550-C-T.
Other names: p.Val1602=; c.4806G>A, p.Val1602= (NM_001160227.2, NM_001411132.1); c.4806G>A (NM_025137.3).
Identifiers: ClinVar variation 3380274 (VCV003380274.2).
Genomic context (GRCh38, chr15:44,589,352, plus strand): 5'-AAGCTTCCCCAGCTCATACTGGGTCTTACACTGCTGTAGCATAAGCTTCAAAAGGAAACA[C>T]ACCTGATCCTCCAGCCACATGGCAGGGATGACAGGGTGGACCTTTGTGGCTGCTGTGTTA-3'
Protein context (NP_079413.3, residues 1592-1612): VIPAMWLEDQ[Val1602=]CFLLKLMLQQ